The following is an entry in ClinVar:

ClinVar aggregate classification (germline): Pathogenic (1 of 4 stars; one submission).

Conditions:
Fructose-biphosphatase deficiency (FBP1D). Also called: Fructose 1,6 Bisphosphatase Deficiency; Fructose-1,6-Bisphosphatase 1 Deficiency; Fructose-1,6-Diphosphatase Deficiency. Identifiers: Orphanet 348, MedGen C0016756, MONDO:0009251, OMIM 229700.

Submission:

Labcorp Genetics (formerly Invitae), Labcorp
Classification: Pathogenic for Fructose-biphosphatase deficiency. Last evaluated: 2023-09-06. Review status: criteria provided, single submitter. Criteria: Invitae Variant Classification Sherloc (09022015). Collection method: clinical testing. Allele origin: germline.
Comment: This sequence change creates a premature translational stop signal (p.Cys282*) in the FBP1 gene. While this is not anticipated to result in nonsense mediated decay, it is expected to disrupt the last 57 amino acid(s) of the FBP1 protein. For these reasons, this variant has been classified as Pathogenic. This variant disrupts a region of the FBP1 protein in which other variant(s) (p.Ser321Phefs*13) have been determined to be pathogenic (Invitae). This suggests that this is a clinically significant region of the protein, and that variants that disrupt it are likely to be disease-causing. This variant has not been reported in the literature in individuals affected with FBP1-related conditions. This variant is not present in population databases (gnomAD no frequency).

NM_000507.4(FBP1):c.846C>A (p.Cys282Ter)

Gene: FBP1 (fructose-bisphosphatase 1; minus strand). Cytogenetic location: 9q22.32.
Variant type: single nucleotide variant.
Coding change: c.846C>A on transcript NM_000507.4 (MANE Select); coding-DNA position 846, C replaced by A.
Protein change: p.Cys282Ter; replaces cysteine 282 with a stop codon.
Molecular consequence: nonsense.
Genome position (GRCh38, 1-based): chr9:94,603,552, G>T on the plus strand (C>A on the coding strand, the complement: FBP1 is on the minus strand). VCF-style: chr9-94603552-G-T. GRCh37 (hg19) VCF-style: chr9-97365834-G-T.
Other names: c.846C>A, p.Cys282Ter (NM_001127628.2); short protein forms C282*.
Identifiers: ClinVar variation 2758463 (VCV002758463.3), dbSNP rs1211553665, ClinGen allele CA374106098.